The following is an entry in ClinVar:

ClinVar aggregate classification (germline): Conflicting classifications of pathogenicity. Review status: criteria provided, conflicting classifications (1 of 4 stars). 2 submissions from 2 submitters: Likely pathogenic (1); Uncertain significance (1). Last evaluated 2024-12-11.

Conditions:
GATA2 deficiency with susceptibility to MDS/AML. Identifiers: MedGen CN300066, MONDO:0042982.
Deafness-lymphedema-leukemia syndrome. Also called: Lymphedema, primary, with myelodysplasia; Emberger syndrome. Identifiers: Orphanet 3226, MedGen C3279664, MONDO:0013540, OMIM 614038.

Submissions (2):

ARUP Laboratories, Molecular Genetics and Genomics, ARUP Laboratories
Classification: Uncertain significance. Last evaluated: 2024-12-11. Review status: criteria provided, single submitter. Criteria: ARUP Molecular Germline Variant Investigation Process 2024. Collection method: clinical testing. Allele origin: germline.
Comment: The GATA2 c.1076T>C; p.Leu359Ser variant (rs2107668687, ClinVar Variation ID: 1184246) is reported in the literature multiple individuals with hematological malignancies; however, while a germline origin is suspected in two cases (Donadieu 2018 and Kazemi-Sefat 2018), this has not yet been established conclusively. This variant is absent from the Genome Aggregation Database (v2.1.1), indicating it is not a common polymorphism. Computational analyses predict that this variant is deleterious (REVEL: 0.975). Due to limited information, the clinical significance of this variant is uncertain at this time. References: Donadieu J et al. Natural history of GATA2 deficiency in a survey of 79 French and Belgian patients. Haematologica 2018. PMID:29724903 Kazemi-Sefat et al. Integrated genomic sequencing in myeloid blast crisis chronic myeloid leukemia (MBC-CML), identified potentially important findings in the context of leukemogenesis model. Sci Rep. 2022 Jul 27;12(1):12816. PMID: 35896598

Molecular Pathology Research Laboratory, SA Pathology
Classification: Likely pathogenic for GATA2 deficiency with susceptibility to MDS/AML; Deafness-lymphedema-leukemia syndrome. Last evaluated: 2021-07-06. Review status: criteria provided, single submitter. Criteria: ACMG Guidelines, 2015. Collection method: curation. Allele origin: germline. Inheritance: Autosomal dominant inheritance. Affected: yes. Observed: 1 variant allele.
Comment: PS4_Supporting, PM1, PM2, PP3

Literature cited by the submitters: PubMed 29724903 (cited by Molecular Pathology Research Laboratory, SA Pathology).

NM_032638.5(GATA2):c.1076T>C (p.Leu359Ser)

Gene: GATA2 (GATA binding protein 2; minus strand). Cytogenetic location: 3q21.3.
Variant type: single nucleotide variant.
Coding change: c.1076T>C on transcript NM_032638.5 (MANE Select); coding-DNA position 1076, T replaced by C.
Protein change: p.Leu359Ser; replaces leucine 359 with serine.
Molecular consequence: missense variant.
Genome position (GRCh38, 1-based): chr3:128,481,886, A>G on the plus strand (T>C on the coding strand, the complement: GATA2 is on the minus strand). VCF-style: chr3-128481886-A-G. GRCh37 (hg19) VCF-style: chr3-128200729-A-G.
Other names: c.1076T>C, p.Leu359Ser (NM_001145661.2); c.1034T>C, p.Leu345Ser (NM_001145662.1); short protein forms L345S, L359S.
Identifiers: ClinVar variation 1184246 (VCV001184246.2), dbSNP rs2107668687, ClinGen allele CA354413592.